The following is an entry in ClinVar:

NM_005634.3(SOX3):c.946G>A (p.Gly316Ser)

Gene: SOX3 (SRY-box transcription factor 3; minus strand). Cytogenetic location: Xq27.1.
Variant type: single nucleotide variant.
Coding change: c.946G>A on transcript NM_005634.3 (MANE Select); coding-DNA position 946, G replaced by A.
Protein change: p.Gly316Ser; replaces glycine 316 with serine.
Molecular consequence: missense variant.
Genome position (GRCh38, 1-based): chrX:140,504,115, C>T on the plus strand (G>A on the coding strand, the complement: SOX3 is on the minus strand). VCF-style: chrX-140504115-C-T. GRCh37 (hg19) VCF-style: chrX-139586280-C-T.
Other names: c.946G>A (NM_005634.2); short protein forms G316S.
Identifiers: ClinVar variation 2042516 (VCV002042516.8), dbSNP rs374950908, ClinGen allele CA10531608.
Genomic context (GRCh38, chrX:140,504,115, plus strand): 5'-TGCCCCCGTAGCCCGAGGCGGCGGCGGCCGCGGCAGCGACGTTCATGTAGCTCTGAGCGC[C>T]GGGCGGCATCATTGGGCTGTACTGCAGGCCGGCCATGTCGTAGCGGTGCATCGGCGGCAG-3'
Protein context (NP_005625.2, residues 306-326): GLQYSPMMPP[Gly316Ser]AQSYMNVAAA

ClinVar aggregate classification (germline): Conflicting classifications of pathogenicity. Review status: criteria provided, conflicting classifications (1 of 4 stars). 4 submissions from 4 submitters: Uncertain significance (2); Likely benign (1). 1 of the submissions does not count toward it. Last evaluated 2025-08-07.

Conditions:
SOX3-related disorder. Also called: SOX3-Related Disorders; SOX3-related condition.
Intellectual developmental disorder, X-linked, with panhypopituitarism. Also called: Intellectual disability, X-linked, with panhypopituitarism. Identifiers: MedGen C2678223, MONDO:0010252, OMIM 300123.
Panhypopituitarism, X-linked (PHPX). Also called: PITUITARY DWARFISM IV. Identifiers: MedGen C0342376, MONDO:0010712, OMIM 312000.

Allele frequency attached by ClinVar (database versions not stated): TOPMed 0.00019; gnomAD 0.00019; ExAC 0.00094; 1000 Genomes Project 0.00053; 1000 Genomes Project 30x 0.00083.

Submissions (4):

Ambry Genetics
Classification: Uncertain significance. Last evaluated: 2025-08-07. Review status: criteria provided, single submitter. Criteria: Ambry Variant Classification Scheme 2023. Collection method: clinical testing. Allele origin: germline.

Labcorp Genetics (formerly Invitae), Labcorp
Classification: Likely benign. Last evaluated: 2024-12-03. Review status: criteria provided, single submitter. Criteria: Invitae Variant Classification Sherloc (09022015). Collection method: clinical testing. Allele origin: germline.

Department of Pathology and Laboratory Medicine, Sinai Health System
Classification: Uncertain significance for Intellectual developmental disorder, X-linked, with panhypopituitarism; Panhypopituitarism, X-linked. Last evaluated: 2021-07-30. Review status: criteria provided, single submitter. Criteria: ACMG Guidelines, 2015. Collection method: research. Allele origin: germline.

PreventionGenetics, part of Exact Sciences
Classification: Likely benign for SOX3-related condition. Last evaluated: 2023-10-18. Review status: no assertion criteria provided. Collection method: clinical testing. Allele origin: germline. Not counted in ClinVar's aggregate classification.
Comment: This variant is classified as likely benign based on ACMG/AMP sequence variant interpretation guidelines (Richards et al. 2015 PMID: 25741868, with internal and published modifications).